The following is an entry in ClinVar:

NM_005591.4(MRE11):c.1781G>A (p.Arg594Lys)

Gene: MRE11 (MRE11 double strand break repair nuclease; minus strand). Cytogenetic location: 11q21.
Variant type: single nucleotide variant.
Coding change: c.1781G>A on transcript NM_005591.4 (MANE Select); coding-DNA position 1781, G replaced by A.
Protein change: p.Arg594Lys; replaces arginine 594 with lysine.
Molecular consequence: missense variant.
Genome position (GRCh38, 1-based): chr11:94,447,221, C>T on the plus strand (G>A on the coding strand, the complement: MRE11 is on the minus strand). VCF-style: chr11-94447221-C-T. GRCh37 (hg19) VCF-style: chr11-94180387-C-T.
Other names: c.1781G>A, p.Arg594Lys (NM_001330347.2, NM_005590.4); short protein forms R594K.
Identifiers: ClinVar variation 479756 (VCV000479756.15), dbSNP rs1555005264, ClinGen allele CA382368032.

ClinVar aggregate classification (germline): Uncertain significance. Review status: criteria provided, multiple submitters, no conflicts (2 of 4 stars). 2 submissions from 2 submitters: Uncertain significance (2). Last evaluated 2019-10-19.

Conditions:
Ataxia-telangiectasia-like disorder (ATLD). Identifiers: MedGen C1858391, MONDO:0011457.
Hereditary cancer-predisposing syndrome. Also called: Hereditary Cancer Syndrome; Neoplastic Syndromes, Hereditary; Tumor predisposition; Hereditary neoplastic syndrome. Identifiers: Orphanet 140162, MedGen C0027672, MeSH D009386, MONDO:0015356.

gnomAD v4.1: 2 of 1,612,360 alleles (0.00012%); highest among the groups gnomAD compares: Admixed American, 0.0033%; no homozygotes.

Submissions (2):

Labcorp Genetics (formerly Invitae), Labcorp
Classification: Uncertain significance for Ataxia-telangiectasia-like disorder. Last evaluated: 2019-10-19. Review status: criteria provided, single submitter. Criteria: Invitae Variant Classification Sherloc (09022015). Collection method: clinical testing. Allele origin: germline.
Comment: In summary, the available evidence is currently insufficient to determine the role of this variant in disease. Therefore, it has been classified as a Variant of Uncertain Significance. Algorithms developed to predict the effect of missense changes on protein structure and function (SIFT, PolyPhen-2, Align-GVGD) all suggest that this variant is likely to be tolerated, but these predictions have not been confirmed by published functional studies and their clinical significance is uncertain. This variant has not been reported in the literature in individuals with MRE11-related conditions. ClinVar contains an entry for this variant (Variation ID: 479756). This variant is not present in population databases (ExAC no frequency). This sequence change replaces arginine with lysine at codon 594 of the MRE11 protein (p.Arg594Lys). The arginine residue is moderately conserved and there is a small physicochemical difference between arginine and lysine.

Ambry Genetics
Classification: Uncertain significance for Hereditary cancer-predisposing syndrome. Last evaluated: 2016-07-08. Review status: criteria provided, single submitter. Criteria: Ambry Variant Classification Scheme 2023. Collection method: clinical testing. Allele origin: germline.
Comment: The p.R594K variant (also known as c.1781G>A), located in coding exon 14 of the MRE11A gene, results from a G to A substitution at nucleotide position 1781. The arginine at codon 594 is replaced by lysine, an amino acid with highly similar properties. This variant was not reported in population based cohorts in the following databases: Database of Single Nucleotide Polymorphisms (dbSNP), NHLBI Exome Sequencing Project (ESP), and 1000 Genomes Project. In the ESP, this variant was not observed in 6499 samples (12998 alleles) with coverage at this position. To date, this alteration has been detected with an allele frequency of approximately 0.001% (greater than 175000 alleles tested) in our clinical cohort. This amino acid position is highly conserved in available vertebrate species. In addition, the in silico prediction for this alteration is inconclusive. Since supporting evidence is limited at this time, the clinical significance of this alteration remains unclear.